The following is an entry in ClinVar:

NM_018136.5(ASPM):c.8558G>A (p.Arg2853Gln)

Gene: ASPM (assembly factor for spindle microtubules; minus strand). Cytogenetic location: 1q31.3.
Variant type: single nucleotide variant.
Coding change: c.8558G>A on transcript NM_018136.5 (MANE Select); coding-DNA position 8558, G replaced by A.
Protein change: p.Arg2853Gln; replaces arginine 2853 with glutamine.
Molecular consequence: missense variant. On other transcripts: intron variant (1).
Genome position (GRCh38, 1-based): chr1:197,100,693, C>T on the plus strand (G>A on the coding strand, the complement: ASPM is on the minus strand). VCF-style: chr1-197100693-C-T. GRCh37 (hg19) VCF-style: chr1-197069823-C-T.
Other names: c.4066-4529G>A (NM_001206846.2); short protein forms R2853Q.
Identifiers: ClinVar variation 212722 (VCV000212722.6), dbSNP rs148245202, ClinGen allele CA207909.

ClinVar aggregate classification (germline): Conflicting classifications of pathogenicity. Review status: criteria provided, conflicting classifications (1 of 4 stars). 4 submissions from 4 submitters: Uncertain significance (2); Likely benign (2). Last evaluated 2024-10-04.

Conditions:
Microcephaly 5, primary, autosomal recessive (MCPH5). Also called: ASPM Primary Microcephaly. Identifiers: Orphanet 2512, MedGen C1837501, MONDO:0012106, OMIM 608716.

Allele frequency attached by ClinVar (database versions not stated): ExAC 0.00007; gnomAD exomes 0.00009 and 0.00018; ESP Exome Variant Server 0.00015; 1000 Genomes Project 30x 0.00016; TOPMed 0.00016; 1000 Genomes Project 0.00020; gnomAD 0.00020.
gnomAD v4.1: 287 of 1,612,300 alleles (0.018%); highest among the groups gnomAD compares: African/African-American, 0.027%; no homozygotes.

Submissions (4):

Blueprint Genetics
Classification: Uncertain significance. Last evaluated: 2024-10-04. Review status: criteria provided, single submitter. Criteria: ACMG Guidelines, 2015. Collection method: clinical testing. Allele origin: germline.

Labcorp Genetics (formerly Invitae), Labcorp
Classification: Uncertain significance. Last evaluated: 2022-10-14. Review status: criteria provided, single submitter. Criteria: Invitae Variant Classification Sherloc (09022015). Collection method: clinical testing. Allele origin: germline.
Comment: This sequence change replaces arginine, which is basic and polar, with glutamine, which is neutral and polar, at codon 2853 of the ASPM protein (p.Arg2853Gln). This variant is present in population databases (rs148245202, gnomAD 0.02%). This missense change has been observed in individual(s) with ASPM-related conditions (PMID: 28554332). ClinVar contains an entry for this variant (Variation ID: 212722). Algorithms developed to predict the effect of missense changes on protein structure and function output the following: SIFT: "Tolerated"; PolyPhen-2: "Benign"; Align-GVGD: "Class C0". The glutamine amino acid residue is found in multiple mammalian species, which suggests that this missense change does not adversely affect protein function. In summary, the available evidence is currently insufficient to determine the role of this variant in disease. Therefore, it has been classified as a Variant of Uncertain Significance.

GeneDx
Classification: Likely benign. Last evaluated: 2019-11-06. Review status: criteria provided, single submitter. Criteria: GeneDx Variant Classification Process June 2021. Collection method: clinical testing. Allele origin: germline. Affected: yes.
Comment: See Variant Classification Assertion Criteria.

HudsonAlpha Institute for Biotechnology
Classification: Likely benign for Microcephaly 5, primary, autosomal recessive. Last evaluated: 2017-12-05. Review status: criteria provided, single submitter. Criteria: HA_assertions_20161101. Collection method: research. Allele origin: paternal. Observed: 1 variant allele. Study: CSER-HudsonAlpha.

Literature cited by the submitters: PubMed 28554332 (cited by Labcorp Genetics (formerly Invitae), Labcorp).